The following is an entry in ClinVar:

NC_000016.9:g.(?_15892497)_(15892564_?)del

Gene: MYH11 (myosin heavy chain 11; minus strand). Cytogenetic location: 16p13.11.
Variant type: Deletion.
Identifiers: ClinVar variation 2423551 (VCV002423551.4).

ClinVar aggregate classification (germline): Pathogenic (1 of 4 stars; one submission).

Conditions:
Aortic aneurysm, familial thoracic 4 (AAT4). Also called: AORTIC ANEURYSM/AORTIC DISSECTION AND PATENT DUCTUS ARTERIOSUS. Identifiers: MedGen C1851504, MONDO:0007568, OMIM 132900.

Submission:

Labcorp Genetics (formerly Invitae), Labcorp
Classification: Pathogenic for Aortic aneurysm, familial thoracic 4. Last evaluated: 2022-03-11. Review status: criteria provided, single submitter. Criteria: Invitae Variant Classification Sherloc (09022015). Collection method: clinical testing. Allele origin: germline.
Comment: For these reasons, this variant has been classified as Pathogenic. This variant has not been reported in the literature in individuals affected with MYH11-related conditions. This variant is a gross deletion of the genomic region encompassing exon(s) 4 of the MYH11 gene. This deletion is out-of-frame, and is expected to create a premature termination codon and result in an absent or disrupted protein product. Loss-of-function variants in MYH11 are known to be pathogenic (PMID: 25407000, 29575632).

Literature cited by the submitters: PubMed 25407000; PubMed 29575632.